The following is an entry in ClinVar:

ClinVar aggregate classification (germline): Uncertain significance (1 of 4 stars; one submission).

Conditions:
Baller-Gerold syndrome (BGS). Also called: CRANIOSYNOSTOSIS WITH RADIAL DEFECTS. Identifiers: Orphanet 1225, MedGen C0265308, MONDO:0009039, OMIM 218600.

gnomAD v4.1: 1 of 1,610,070 alleles (0.000062%); highest among the groups gnomAD compares: Middle Eastern, 0.017%; no homozygotes.

Submission:

Labcorp Genetics (formerly Invitae), Labcorp
Classification: Uncertain significance for Baller-Gerold syndrome. Last evaluated: 2025-04-07. Review status: criteria provided, single submitter. Criteria: Invitae Variant Classification Sherloc (09022015). Collection method: clinical testing. Allele origin: germline.
Comment: This sequence change replaces glycine, which is neutral and non-polar, with alanine, which is neutral and non-polar, at codon 588 of the RECQL4 protein (p.Gly588Ala). This variant is not present in population databases (gnomAD no frequency). This variant has not been reported in the literature in individuals affected with RECQL4-related conditions. ClinVar contains an entry for this variant (Variation ID: 2164508). Invitae Evidence Modeling of protein sequence and biophysical properties (such as structural, functional, and spatial information, amino acid conservation, physicochemical variation, residue mobility, and thermodynamic stability) indicates that this missense variant is not expected to disrupt RECQL4 protein function with a negative predictive value of 80%. In summary, the available evidence is currently insufficient to determine the role of this variant in disease. Therefore, it has been classified as a Variant of Uncertain Significance.

NM_004260.4(RECQL4):c.1763G>C (p.Gly588Ala)

Gene: RECQL4 (RecQ like helicase 4; minus strand). Cytogenetic location: 8q24.3.
Variant type: single nucleotide variant.
Coding change: c.1763G>C on transcript NM_004260.4 (MANE Select); coding-DNA position 1763, G replaced by C.
Protein change: p.Gly588Ala; replaces glycine 588 with alanine.
Molecular consequence: missense variant.
Genome position (GRCh38, 1-based): chr8:144,514,304, C>G on the plus strand (G>C on the coding strand, the complement: RECQL4 is on the minus strand). VCF-style: chr8-144514304-C-G. GRCh37 (hg19) VCF-style: chr8-145739688-C-G.
Other names: c.1667G>C, p.Gly556Ala (NM_001413020.1, NM_001413017.1); c.692G>C, p.Gly231Ala (NM_001413021.1, NM_001413022.1, NM_001413023.1 and 6 more transcripts); c.1763G>C, p.Gly588Ala (NM_001413018.1, NM_001413019.1, NM_001413036.1); c.1634G>C, p.Gly545Ala (NM_001413025.1); c.626G>C, p.Gly209Ala (NM_001413027.1, NM_001413030.1, NM_001413032.1 and 1 more transcripts); c.1412G>C, p.Gly471Ala (NM_001413029.1); c.1733G>C, p.Gly578Ala (NM_001413039.1); c.662G>C, p.Gly221Ala (NM_001413042.1); and 1 more; short protein forms G209A, G231A, G545A, G556A, G221A, G471A, G588A, G578A.
Identifiers: ClinVar variation 2164508 (VCV002164508.4), dbSNP rs1259051495, ClinGen allele CA372681036.